The following is an entry in ClinVar:

ClinVar aggregate classification (germline): Benign/Likely benign. Review status: criteria provided, multiple submitters, no conflicts (2 of 4 stars). 3 submissions from 3 submitters: Benign (1); Likely benign (2). Last evaluated 2026-01-28.

Conditions:
Mucopolysaccharidosis type 7 (MPS7). Also called: MPS VII; GUSB DEFICIENCY; SLY SYNDROME; BETA-GLUCURONIDASE DEFICIENCY. Identifiers: Orphanet 584, MedGen C0085132, MONDO:0009662, OMIM 253220.

Allele frequency attached by ClinVar (database versions not stated): gnomAD below 0.00001 and 0.00027; TOPMed 0.00011; gnomAD exomes 0.00111; ExAC 0.00121; 1000 Genomes Project 30x 0.00156; 1000 Genomes Project 0.00180.

Submissions (3):

Labcorp Genetics (formerly Invitae), Labcorp
Classification: Benign for Mucopolysaccharidosis type 7. Last evaluated: 2026-01-28. Review status: criteria provided, single submitter. Criteria: Invitae Variant Classification Sherloc (09022015). Collection method: clinical testing. Allele origin: germline.

Blueprint Genetics
Classification: Likely benign. Last evaluated: 2024-11-07. Review status: criteria provided, single submitter. Criteria: ACMG Guidelines, 2015. Collection method: clinical testing. Allele origin: germline.

Illumina Laboratory Services, Illumina
Classification: Likely benign for Mucopolysaccharidosis type 7. Last evaluated: 2018-01-12. Review status: criteria provided, single submitter. Criteria: ICSL Variant Classification Criteria 13 December 2019. Collection method: clinical testing. Allele origin: germline.
Comment: This variant was observed in the ICSL laboratory as part of a predisposition screen in an ostensibly healthy population. It had not been previously curated by ICSL or reported in the Human Gene Mutation Database (HGMD: prior to June 1st, 2018), and was therefore a candidate for classification through an automated scoring system. Utilizing variant allele frequency, disease prevalence and penetrance estimates, and inheritance mode, an automated score was calculated to assess if this variant is too frequent to cause the disease. Based on the score and internal cut-off values, a variant classified as likely benign is not then subjected to further curation. The score for this variant resulted in a classification of likely benign for this disease.

NM_000181.4(GUSB):c.1482G>A (p.Pro494=)

Genes: GUSB (glucuronidase beta; minus strand), LOC126860055 (MED14-independent group 3 enhancer GRCh37_chr7:65432190-65433389; plus strand). Cytogenetic location: 7q11.21.
Variant type: single nucleotide variant.
Coding change: c.1482G>A on transcript NM_000181.4 (MANE Select); coding-DNA position 1482, G replaced by A.
Protein change: p.Pro494=; no amino-acid change (proline 494 retained).
Molecular consequence: synonymous variant. On other transcripts: non-coding transcript variant (1).
Genome position (GRCh38, 1-based): chr7:65,967,902, C>T on the plus strand (G>A on the coding strand, the complement: GUSB is on the minus strand). VCF-style: chr7-65967902-C-T. GRCh37 (hg19) VCF-style: chr7-65432889-C-T.
Other names: c.1044G>A, p.Pro348= (NM_001284290.2); c.912G>A, p.Pro304= (NM_001293104.2); c.825G>A, p.Pro275= (NM_001293105.2).
Identifiers: ClinVar variation 707798 (VCV000707798.14), dbSNP rs548880426, ClinGen allele CA4276245.
Genomic context (GRCh38, chr7:65,967,902, plus strand): 5'-CAGGTGCCCGTAGTCGTGATACCAAGAGTAGTAGCTGTTCAAACAGATCACATCCACATA[C>T]GGAGCCTAGGACCAGAGCAGCAGAGCCCGTTCAGCACTCAGTAGACAGCATGACTCAGCA-3'
Protein context (NP_000172.2, residues 484-504): NSNYAADKGA[Pro494=]YVDVICLNSY